The following is an entry in ClinVar:

NM_052876.4(NACC1):c.1172C>G (p.Ala391Gly)

Gene: NACC1 (nucleus accumbens associated 1; plus strand). Cytogenetic location: 19p13.13.
Variant type: single nucleotide variant.
Coding change: c.1172C>G on transcript NM_052876.4 (MANE Select); coding-DNA position 1172, C replaced by G.
Protein change: p.Ala391Gly; replaces alanine 391 with glycine.
Molecular consequence: missense variant.
Genome position (GRCh38, 1-based): chr19:13,137,322, C>G. VCF-style: chr19-13137322-C-G. GRCh37 (hg19) VCF-style: chr19-13248136-C-G.
Other names: short protein forms A391G.
Identifiers: ClinVar variation 3697153 (VCV003697153.2).
Genomic context (GRCh38, chr19:13,137,322, plus strand): 5'-TCTCACCAGGCACCAACGTGTACATCACAAGGGCGCAGCTGATGAACTGCCACGTCAGCG[C>G]AGGCACGCGGCACAAGGTCCTACTGCGGCGGCTCCTGGCCTCCTTCTTTGACCGGTAAGG-3'
Protein context (NP_443108.1, residues 381-401): RAQLMNCHVS[Ala391Gly]GTRHKVLLRR

ClinVar aggregate classification (germline): Uncertain significance (1 of 4 stars; one submission).

Submission:

Labcorp Genetics (formerly Invitae), Labcorp
Classification: Uncertain significance. Last evaluated: 2024-04-22. Review status: criteria provided, single submitter. Criteria: Invitae Variant Classification Sherloc (09022015). Collection method: clinical testing. Allele origin: germline.
Comment: This sequence change replaces alanine, which is neutral and non-polar, with glycine, which is neutral and non-polar, at codon 391 of the NACC1 protein (p.Ala391Gly). This variant is not present in population databases (gnomAD no frequency). This variant has not been reported in the literature in individuals affected with NACC1-related conditions. Advanced modeling of protein sequence and biophysical properties (such as structural, functional, and spatial information, amino acid conservation, physicochemical variation, residue mobility, and thermodynamic stability) performed at Invitae indicates that this missense variant is not expected to disrupt NACC1 protein function with a negative predictive value of 80%. In summary, the available evidence is currently insufficient to determine the role of this variant in disease. Therefore, it has been classified as a Variant of Uncertain Significance.